The following is an entry in ClinVar:

NM_018139.3(DNAAF2):c.392A>C (p.Tyr131Ser)

Gene: DNAAF2 (dynein axonemal assembly factor 2; minus strand). Cytogenetic location: 14q21.3.
Variant type: single nucleotide variant.
Coding change: c.392A>C on transcript NM_018139.3 (MANE Select); coding-DNA position 392, A replaced by C.
Protein change: p.Tyr131Ser; replaces tyrosine 131 with serine.
Molecular consequence: missense variant.
Genome position (GRCh38, 1-based): chr14:49,634,758, T>G on the plus strand (A>C on the coding strand, the complement: DNAAF2 is on the minus strand). VCF-style: chr14-49634758-T-G. GRCh37 (hg19) VCF-style: chr14-50101476-T-G.
Other names: c.392A>C, p.Tyr131Ser (NM_001083908.2); short protein forms Y131S.
Identifiers: ClinVar variation 5035422 (VCV005035422.1).
Genomic context (GRCh38, chr14:49,634,758, plus strand): 5'-AGCGCGTCTGGATGGAAGACCACGTCGTAGACCATGTAGCGGCTGCTGCTGCGCCCCGCG[T>G]ACTCGCGGCCGGGCGCCAGGCTGTAGGGCAGGGACCAGTGGCTGCCAGGAGCTGCGCCCC-3'
Protein context (NP_060609.2, residues 121-141): LPYSLAPGRE[Tyr131Ser]AGRSSSRYMV

ClinVar aggregate classification (germline): Uncertain significance (1 of 4 stars; one submission).

Conditions:
Primary ciliary dyskinesia. Also called: Ciliary dyskinesia. Identifiers: Orphanet 244, MedGen C0008780, MONDO:0016575, HP:0012265.

gnomAD v4.1: 2 of 1,598,892 alleles (0.00013%); no homozygotes.

Submission:

Ambry Genetics
Classification: Uncertain significance for Primary ciliary dyskinesia. Last evaluated: 2026-08-29. Review status: criteria provided, single submitter. Criteria: Ambry Variant Classification Scheme 2023. Collection method: clinical testing. Allele origin: germline.
Comment: The p.Y131S variant (also known as c.392A>C), located in coding exon 1 of the DNAAF2 gene, results from an A to C substitution at nucleotide position 392. The tyrosine at codon 131 is replaced by serine, an amino acid with dissimilar properties. This amino acid position is conserved. In addition, this alteration is predicted to be tolerated by in silico analysis. Based on the available evidence, the clinical significance of this variant remains unclear.